The following is an entry in ClinVar:

ClinVar aggregate classification (germline): Uncertain significance. Review status: criteria provided, multiple submitters, no conflicts (2 of 4 stars). 3 submissions from 3 submitters: Uncertain significance (3). Last evaluated 2026-05-03.

Conditions:
SCP2-related disorder. Also called: SCP2-related condition.

Allele frequency attached by ClinVar (database versions not stated): gnomAD exomes below 0.00001; TOPMed below 0.00001.
gnomAD v4.1: 5 of 1,614,034 alleles (0.00031%); highest among the groups gnomAD compares: East Asian, 0.0045%; no homozygotes.

Submissions (3):

PreventionGenetics, part of Exact Sciences
Classification: Uncertain significance for SCP2-related condition. Last evaluated: 2026-05-03. Review status: criteria provided, single submitter. Criteria: ACMG Guidelines, 2015. Collection method: clinical testing. Allele origin: germline.
Comment: The SCP2 c.703A>G variant is predicted to result in the amino acid substitution p.Ile235Val. To our knowledge, this variant has not been reported in the literature or in a large population database (gnomAD), indicating this variant is rare. At this time, the clinical significance of this variant is uncertain due to the absence of conclusive functional and genetic evidence.

Labcorp Genetics (formerly Invitae), Labcorp
Classification: Uncertain significance. Last evaluated: 2022-03-27. Review status: criteria provided, single submitter. Criteria: Invitae Variant Classification Sherloc (09022015). Collection method: clinical testing. Allele origin: germline.
Comment: In summary, the available evidence is currently insufficient to determine the role of this variant in disease. Therefore, it has been classified as a Variant of Uncertain Significance. Algorithms developed to predict the effect of missense changes on protein structure and function output the following: SIFT: "Tolerated"; PolyPhen-2: "Benign"; Align-GVGD: "Class C0". The valine amino acid residue is found in multiple mammalian species, which suggests that this missense change does not adversely affect protein function. ClinVar contains an entry for this variant (Variation ID: 500954). This variant has not been reported in the literature in individuals affected with SCP2-related conditions. This variant is not present in population databases (gnomAD no frequency). This sequence change replaces isoleucine, which is neutral and non-polar, with valine, which is neutral and non-polar, at codon 235 of the SCP2 protein (p.Ile235Val).

Eurofins Ntd Llc (ga)
Classification: Uncertain significance. Last evaluated: 2017-03-21. Review status: criteria provided, single submitter. Criteria: EGL Classification Definitions 2015. Collection method: clinical testing. Allele origin: germline. Observed: 1 variant allele, 1 heterozygote.

NM_002979.5(SCP2):c.703A>G (p.Ile235Val)

Gene: SCP2 (sterol carrier protein 2; plus strand). Cytogenetic location: 1p32.3.
Variant type: single nucleotide variant.
Coding change: c.703A>G on transcript NM_002979.5 (MANE Select); coding-DNA position 703, A replaced by G.
Protein change: p.Ile235Val; replaces isoleucine 235 with valine.
Molecular consequence: missense variant.
Genome position (GRCh38, 1-based): chr1:52,978,245, A>G. VCF-style: chr1-52978245-A-G. GRCh37 (hg19) VCF-style: chr1-53443917-A-G.
Other names: c.703A>G (NM_002979.4); c.571A>G, p.Ile191Val (NM_001007098.3, NM_001193600.2); c.631A>G, p.Ile211Val (NM_001193599.2); c.460A>G, p.Ile154Val (NM_001193617.2); c.703A>G, p.Ile235Val (NM_001330587.2); short protein forms I235V, I154V, I211V, I191V.
Identifiers: ClinVar variation 500954 (VCV000500954.10), dbSNP rs1553148523, ClinGen allele CA340381231.